The following is an entry in ClinVar:

ClinVar aggregate classification (germline): Conflicting classifications of pathogenicity. Review status: criteria provided, conflicting classifications (1 of 4 stars). 6 submissions from 6 submitters: Uncertain significance (1); Likely benign (5). Last evaluated 2026-01-19.

Conditions:
PRX-related disorder. Also called: PRX-related condition; PRX-Related Disorders.
Inborn genetic diseases. Identifiers: MedGen C0950123, MeSH D030342.
Charcot-Marie-Tooth disease type 4. Also called: Charcot-Marie-Tooth disease, type IV; Charcot-Marie-Tooth, Type 4. Identifiers: Orphanet 64749, MedGen C4082197, MONDO:0018995.
Charcot-Marie-Tooth disease type 4F. Also called: Charcot-Marie-Tooth disease, demyelinating, type 4F. Identifiers: Orphanet 99952, MedGen C3540453, MONDO:0013959, OMIM 614895.

Allele frequency attached by ClinVar (database versions not stated): gnomAD exomes 0.00031; ExAC 0.00048; 1000 Genomes Project 0.00100; ESP Exome Variant Server 0.00111; gnomAD 0.00128 and 0.00140; 1000 Genomes Project 30x 0.00141; TOPMed 0.00150.
gnomAD v4.1: 393 of 1,543,140 alleles (0.025%); highest among the groups gnomAD compares: African/African-American, 0.46%; no homozygotes.

Submissions (6):

Labcorp Genetics (formerly Invitae), Labcorp
Classification: Likely benign for Charcot-Marie-Tooth disease type 4. Last evaluated: 2026-01-19. Review status: criteria provided, single submitter. Criteria: Invitae Variant Classification Sherloc (09022015). Collection method: clinical testing. Allele origin: germline.

PreventionGenetics, part of Exact Sciences
Classification: Likely benign for PRX-related condition. Last evaluated: 2025-03-05. Review status: criteria provided, single submitter. Criteria: ACMG Guidelines, 2015. Collection method: clinical testing. Allele origin: germline.
Comment: This variant is classified as likely benign based on ACMG/AMP sequence variant interpretation guidelines (Richards et al. 2015 PMID: 25741868, with internal and published modifications).

Athena Diagnostics
Classification: Likely benign. Last evaluated: 2024-05-07. Review status: criteria provided, single submitter. Criteria: Athena Diagnostics Criteria. Collection method: clinical testing. Allele origin: unknown.

GeneDx
Classification: Likely benign. Last evaluated: 2021-04-09. Review status: criteria provided, single submitter. Criteria: GeneDx Variant Classification Process June 2021. Collection method: clinical testing. Allele origin: germline. Affected: yes.

Ambry Genetics
Classification: Likely benign for Inborn genetic diseases. Last evaluated: 2019-09-19. Review status: criteria provided, single submitter. Criteria: Ambry Variant Classification Scheme 2023. Collection method: clinical testing. Allele origin: germline.

Illumina Laboratory Services, Illumina
Classification: Uncertain significance for Charcot-Marie-Tooth disease type 4F. Last evaluated: 2018-01-13. Review status: criteria provided, single submitter. Criteria: ICSL Variant Classification Criteria 13 December 2019. Collection method: clinical testing. Allele origin: germline.

NM_181882.3(PRX):c.719G>A (p.Arg240Gln)

Gene: PRX (periaxin; minus strand). Cytogenetic location: 19q13.2.
Variant type: single nucleotide variant.
Coding change: c.719G>A on transcript NM_181882.3 (MANE Select); coding-DNA position 719, G replaced by A.
Protein change: p.Arg240Gln; replaces arginine 240 with glutamine.
Molecular consequence: missense variant. On other transcripts: 3 prime UTR variant (1).
Genome position (GRCh38, 1-based): chr19:40,397,633, C>T on the plus strand (G>A on the coding strand, the complement: PRX is on the minus strand). VCF-style: chr19-40397633-C-T. GRCh37 (hg19) VCF-style: chr19-40903540-C-T.
Other names: c.*924G>A (NM_020956.2); short protein forms R240Q.
Identifiers: ClinVar variation 476979 (VCV000476979.21), dbSNP rs77917609, ClinGen allele CA9444391.